The following is an entry in ClinVar:

NM_014000.3(VCL):c.2000C>T (p.Thr667Met)

Gene: VCL (vinculin; plus strand). Cytogenetic location: 10q22.2.
Variant type: single nucleotide variant.
Coding change: c.2000C>T on transcript NM_014000.3 (MANE Select); coding-DNA position 2000, C replaced by T.
Protein change: p.Thr667Met; replaces threonine 667 with methionine.
Molecular consequence: missense variant.
Genome position (GRCh38, 1-based): chr10:74,101,075, C>T. VCF-style: chr10-74101075-C-T. GRCh37 (hg19) VCF-style: chr10-75860833-C-T.
Other names: p.T667M:ACG>ATG; c.2000C>T, p.Thr667Met (NM_003373.4); short protein forms T667M.
Identifiers: ClinVar variation 202146 (VCV000202146.13), dbSNP rs794729187, ClinGen allele CA335594.

ClinVar aggregate classification (germline): Conflicting classifications of pathogenicity. Review status: criteria provided, conflicting classifications (1 of 4 stars). 6 submissions from 6 submitters: Uncertain significance (4); VUS-low (1); Likely benign (1). Last evaluated 2026-04-27.

Conditions:
VCL-related disorder. Also called: VCL-related condition.
Cardiovascular phenotype. Identifiers: MedGen CN230736.
Dilated cardiomyopathy 1W (CMD1W). Identifiers: Orphanet 154, MedGen C1969639, MONDO:0012667, OMIM 611407.

Allele frequency attached by ClinVar (database versions not stated): gnomAD 0.00001; gnomAD exomes 0.00001 and 0.00002; TOPMed 0.00001.
gnomAD v4.1: 28 of 1,613,446 alleles (0.0017%); highest among the groups gnomAD compares: Middle Eastern, 0.033%; no homozygotes.

Submissions (6):

PreventionGenetics, part of Exact Sciences
Classification: Uncertain significance for VCL-related condition. Last evaluated: 2026-04-27. Review status: criteria provided, single submitter. Criteria: ACMG Guidelines, 2015. Collection method: clinical testing. Allele origin: germline.
Comment: The VCL c.2000C>T variant is predicted to result in the amino acid substitution p.Thr667Met. To our knowledge, this variant has not been reported in the literature. This variant is reported in 0.0018% of alleles in individuals of European (Non-Finnish) descent in gnomAD. At this time, the clinical significance of this variant is uncertain due to the absence of conclusive functional and genetic evidence.

Ambry Genetics
Classification: Likely benign for Cardiovascular phenotype. Last evaluated: 2026-02-05. Review status: criteria provided, single submitter. Criteria: Ambry Variant Classification Scheme 2023. Collection method: clinical testing. Allele origin: germline.

Labcorp Genetics (formerly Invitae), Labcorp
Classification: Uncertain significance for Dilated cardiomyopathy 1W. Last evaluated: 2025-12-21. Review status: criteria provided, single submitter. Criteria: Invitae Variant Classification Sherloc (09022015). Collection method: clinical testing. Allele origin: germline.
Comment: This sequence change replaces threonine, which is neutral and polar, with methionine, which is neutral and non-polar, at codon 667 of the VCL protein (p.Thr667Met). This variant is present in population databases (rs794729187, gnomAD 0.002%). This variant has not been reported in the literature in individuals affected with VCL-related conditions. ClinVar contains an entry for this variant (Variation ID: 202146). An algorithm developed to predict the effect of missense changes on protein structure and function (PolyPhen-2) suggests that this variant is likely to be disruptive. In summary, the available evidence is currently insufficient to determine the role of this variant in disease. Therefore, it has been classified as a Variant of Uncertain Significance.

Center for Molecular Medicine, Children’s Hospital of Fudan University
Classification: VUS-low for Dilated cardiomyopathy 1W. Last evaluated: 2025-12-12. Review status: criteria provided, single submitter. Criteria: ACMG Guidelines 2015. Collection method: clinical testing. Allele origin: unknown. Affected: yes.
Comment: PM2_PP

GeneDx
Classification: Uncertain significance. Last evaluated: 2023-11-22. Review status: criteria provided, single submitter. Criteria: GeneDx Variant Classification Process June 2021. Collection method: clinical testing. Allele origin: germline. Affected: yes.
Comment: Not observed at significant frequency in large population cohorts (gnomAD); In silico analysis supports that this missense variant does not alter protein structure/function; Has not been previously published as pathogenic or benign to our knowledge

Clinical Genetics Laboratory, Skane University Hospital Lund
Classification: Uncertain significance. Last evaluated: 2023-03-16. Review status: criteria provided, single submitter. Criteria: ACMG Guidelines, 2015. Collection method: clinical testing. Allele origin: germline. Affected: yes.